The following continues an entry in ClinVar:

NM_000143.4(FH):c.697C>T (p.Arg233Cys)

Gene: FH. ClinVar aggregate classification (germline): Pathogenic/Likely pathogenic. Pathogenic (12); Likely pathogenic (1).

Submissions 9 to 13 of 13:

Ambry Genetics
Classification: Pathogenic for Hereditary cancer-predisposing syndrome. Last evaluated: 2023-05-30. Review status: criteria provided, single submitter. Criteria: Ambry Variant Classification Scheme 2023. Collection method: clinical testing. Allele origin: germline.
Comment: The p.R233C pathogenic mutation (also known as c.697C>T), located in coding exon 5 of the FH gene, results from a C to T substitution at nucleotide position 697. The arginine at codon 233 is replaced by cysteine, an amino acid with highly dissimilar properties. This mutation, which occurs in the enzyme active site, has been identified in multiple families with HLRCC to date (Picaud S et al. J. Inherit. Metab. Dis. 2011 Jun;34(3):671-6; Gardie B et al. J. Med. Genet. 2011 Apr;48(4):226-34), including a family where the mutation was found to segregate with renal cell carcinoma through two generations (Wei MH et al. J. Med. Genet. 2006 Jan;43(1):18-27). This mutation has also been observed in a family with multiple cutaneous and uterine leiomyomata (Chuang GS et al. J. Am. Acad. Dermatol. 2005 Mar;52(3 Pt 1):410-6). In addition, this mutation was observed in a compound heterozygous state with a second pathogenic mutation in a child with fumarase deficiency (Rustin P et al. Biochim. Biophys. Acta. 1997 Aug 22;1361(2):185-97). Of note, this alteration is also designated as R190C (568C>T) in published literature. Based on the available evidence, this alteration is classified as a pathogenic mutation.

CeGaT Center for Human Genetics Tuebingen
Classification: Pathogenic. Last evaluated: 2022-05-01. Review status: criteria provided, single submitter. Criteria: CeGaT Center For Human Genetics Tuebingen Variant Classification Criteria Version 2. Collection method: clinical testing. Allele origin: germline. Affected: yes. Observed: 1 variant allele.
Comment: FH: PM1:Strong, PM2, PM5, PP3, PS3:Supporting

GeneDx
Classification: Pathogenic. Last evaluated: 2022-02-01. Review status: criteria provided, single submitter. Criteria: GeneDx Variant Classification Process June 2021. Collection method: clinical testing. Allele origin: germline. Affected: yes.
Comment: Observed in trans or phase unknown with FH Lys477dup (also known as Lys434ins) in children with fumarase deficiency (Gellera 1990, Chakravorty 2020); Not observed at significant frequency in large population cohorts (gnomAD); In silico analysis supports that this missense variant has a deleterious effect on protein structure/function; Also known as p.Arg190Cys; This variant is associated with the following publications: (PMID: 16639410, 28300276, 21445611, 11865300, 16597677, 9300800, 18366737, 15761418, 20618355, 12612654, 21404119, 2314594, 15937070, 28152038, 32999401, 21398687)

Sema4
Classification: Pathogenic for Hereditary cancer-predisposing syndrome. Last evaluated: 2021-05-27. Review status: criteria provided, single submitter. Criteria: Sema4 Curation Guidelines. Collection method: curation. Allele origin: germline.
Comment: The FH c.697C>T (p.R233C) variant has been identified in heterozygosity in at least six individuals or families with hereditary leiomyomatosis and renal cell cancer (PMID: 21398687, 15937070, 16597677, 15761418). This variant has also been identified in compound heterozygosity with a pathogenic FH variant in an individual with fumarase deficiency syndrome (PMID: 9300800). Functional analyses in patient-derived cells and tissues indicate that this variant results in impaired FH enzymatic activity (PMID: 21398687, 9300800). It is also known as c.568C>T (p.Arg190Cys) in the literature. It was not observed in the large and broad cohorts of the Genome Aggregation Database (PMID: 32461654). The variant has been reported in ClinVar (Variation ID: 141355). In silico tools suggest the impact of the variant on protein function is deleterious. A different pathogenic missense change at this codon, c.698G>A (p.R233H), has been reported in individuals affected with hereditary leiomyomatosis and renal cell cancer (PMID: 11865300, 23211287). Based on the current evidence available, this variant is interpreted as pathogenic.

Eurofins Ntd Llc (ga)
Classification: Pathogenic. Last evaluated: 2014-02-19. Review status: criteria provided, single submitter. Criteria: EGL Classification Definitions. Collection method: clinical testing. Allele origin: germline. Observed: 4 variant alleles, 4 heterozygotes.

Literature cited by the submitters: PubMed 2314594 (cited by 3 submitters); PubMed 9300800 (cited by 4 submitters); PubMed 15761418 (cited by 3 submitters); PubMed 15937070 (cited by 3 submitters); PubMed 21398687 (cited by 5 submitters); PubMed 21445611 (cited by Labcorp Genetics (formerly Invitae), Labcorp and Quest Diagnostics Nichols Institute San Juan Capistrano); PubMed 11865300 (cited by 3 submitters); PubMed 12772087 (cited by Labcorp Genetics (formerly Invitae), Labcorp); PubMed 17960613 (cited by Labcorp Genetics (formerly Invitae), Labcorp); PubMed 20618355 (cited by Labcorp Genetics (formerly Invitae), Labcorp and Ambry Genetics); PubMed 22127509 (cited by Labcorp Genetics (formerly Invitae), Labcorp); PubMed 32999401 (cited by 3 submitters); PubMed 33167498 (cited by Myriad Genetics, Inc. and Quest Diagnostics Nichols Institute San Juan Capistrano); PubMed 37230921 (cited by Myriad Genetics, Inc.); PubMed 35715365 (cited by Myriad Genetics, Inc.); PubMed 37580017 (cited by Myriad Genetics, Inc.); PubMed 31831373 (cited by Myriad Genetics, Inc.); PubMed 35216667 (cited by Myriad Genetics, Inc.); PubMed 36777509 (cited by Quest Diagnostics Nichols Institute San Juan Capistrano); PubMed 16597677 (cited by Quest Diagnostics Nichols Institute San Juan Capistrano and Sema4); PubMed 18366737 (cited by Ambry Genetics); PubMed 20549362 (cited by Ambry Genetics); PubMed 21404119 (cited by Ambry Genetics); PubMed 23211287 (cited by Sema4).